The following is an entry in ClinVar:

ClinVar aggregate classification (germline): Benign/Likely benign. Review status: criteria provided, multiple submitters, no conflicts (2 of 4 stars). 17 submissions from 17 submitters: Benign (8); Likely benign (7). 2 of the submissions do not count toward it. Last evaluated 2026-02-03.

Conditions:
Isolated focal cortical dysplasia type II (FCORD2). Also called: Focal cortical dysplasia type II; CORTICAL DYSPLASIA OF TAYLOR. Identifiers: Orphanet 268994, MedGen C1846385, MONDO:0011818, OMIM 607341, HP:0032051.
Lymphangiomyomatosis (LAM). Also called: Lymphangioleiomyomatosis; Lymphangioleiomyomatosis, somatic. Identifiers: Orphanet 538, MedGen C0751674, MONDO:0011705, OMIM 606690.
Tuberous sclerosis 2 (TSC2). Identifiers: Orphanet 805, MedGen C1860707, MONDO:0013199, OMIM 613254.
Hereditary cancer-predisposing syndrome. Also called: Tumor predisposition; Neoplastic Syndromes, Hereditary; Hereditary Cancer Syndrome; Hereditary neoplastic syndrome. Identifiers: Orphanet 140162, MedGen C0027672, MeSH D009386, MONDO:0015356.
Tuberous sclerosis syndrome (TSC). Also called: Tuberous Sclerosis Complex; Tuberous sclerosis. Identifiers: Orphanet 805, MedGen C0041341, MONDO:0001734.

Allele frequency attached by ClinVar (database versions not stated): gnomAD exomes 0.00017 and 0.00033; ExAC 0.00019; gnomAD 0.00019 and 0.00022; ESP Exome Variant Server 0.00023; TOPMed 0.00024.
gnomAD v4.1: 307 of 1,612,738 alleles (0.019%); highest among the groups gnomAD compares: Middle Eastern, 0.033%; 1 homozygote.

Submissions (17):

Labcorp Genetics (formerly Invitae), Labcorp
Classification: Benign for Tuberous sclerosis 2. Last evaluated: 2026-02-03. Review status: criteria provided, single submitter. Criteria: Invitae Variant Classification Sherloc (09022015). Collection method: clinical testing. Allele origin: germline.

CeGaT Center for Human Genetics Tuebingen
Classification: Benign. Last evaluated: 2026-01-01. Review status: criteria provided, single submitter. Criteria: CeGaT Center For Human Genetics Tuebingen Variant Classification Criteria Version 2. Collection method: clinical testing. Allele origin: germline. Affected: yes. Observed: 13 variant alleles.
Comment: TSC2: BS1, BS2

ARUP Laboratories, Molecular Genetics and Genomics, ARUP Laboratories
Classification: Likely benign. Last evaluated: 2025-06-02. Review status: criteria provided, single submitter. Criteria: ARUP Molecular Germline Variant Investigation Process 2024. Collection method: clinical testing. Allele origin: germline.

Department of Pathology and Laboratory Medicine, Sinai Health System
Classification: Likely benign for Lymphangiomyomatosis; Isolated focal cortical dysplasia type II; Tuberous sclerosis 2. Last evaluated: 2024-10-16. Review status: criteria provided, single submitter. Criteria: ACMG Guidelines, 2015. Collection method: clinical testing. Allele origin: germline.

Blueprint Genetics
Classification: Likely benign. Last evaluated: 2024-07-11. Review status: criteria provided, single submitter. Criteria: ACMG Guidelines, 2015. Collection method: clinical testing. Allele origin: germline.

KCCC/NGS Laboratory, Kuwait Cancer Control Center
Classification: Benign for Tuberous sclerosis 2. Last evaluated: 2023-07-07. Review status: criteria provided, single submitter. Criteria: ACMG Guidelines, 2015. Collection method: clinical testing. Allele origin: germline. Affected: yes.

Myriad Genetics, Inc.
Classification: Benign for Tuberous sclerosis 2. Last evaluated: 2023-07-06. Review status: criteria provided, single submitter. Criteria: Myriad Autosomal Dominant, Autosomal Recessive and X-Linked Classification Criteria (2023). Collection method: clinical testing. Allele origin: unknown.
Comment: This variant is considered benign. This variant has been observed at a population frequency that is significantly greater than expected given the associated disease prevalence and penetrance. Homozygosity has been confirmed in one or more individuals. As homozygosity for pathogenic variants in this gene is generally assumed to result in embryonic lethality, this variant is unlikely to be pathogenic.

Quest Diagnostics Nichols Institute San Juan Capistrano
Classification: Benign. Last evaluated: 2022-11-30. Review status: criteria provided, single submitter. Criteria: Quest Diagnostics criteria. Collection method: clinical testing. Allele origin: unknown.
Comment: The frequency of this variant in the general population is higher than would generally be expected for pathogenic variants in this gene. This variant has been seen where an alternate explanation for disease was also identified.

Color Diagnostics, LLC DBA Color Health
Classification: Likely benign for Tuberous sclerosis syndrome. Last evaluated: 2022-09-20. Review status: criteria provided, single submitter. Criteria: ACMG Guidelines, 2015. Collection method: clinical testing. Allele origin: germline.

Genome-Nilou Lab
Classification: Benign for Tuberous sclerosis 2. Last evaluated: 2021-11-07. Review status: criteria provided, single submitter. Criteria: ACMG Guidelines, 2015. Collection method: clinical testing. Allele origin: germline. Affected: no.

Sema4
Classification: Benign for Hereditary cancer-predisposing syndrome. Last evaluated: 2020-05-27. Review status: criteria provided, single submitter. Criteria: Sema4 Curation Guidelines. Collection method: curation. Allele origin: germline.

GeneDx
Classification: Likely benign. Last evaluated: 2018-02-06. Review status: criteria provided, single submitter. Criteria: GeneDx Variant Classification (06012015). Collection method: clinical testing. Allele origin: germline. Affected: yes.
Comment: This variant is considered likely benign or benign based on one or more of the following criteria: it is a conservative change, it occurs at a poorly conserved position in the protein, it is predicted to be benign by multiple in silico algorithms, and/or has population frequency not consistent with disease.

Illumina Laboratory Services, Illumina
Classification: Likely benign for Tuberous sclerosis syndrome. Last evaluated: 2018-01-13. Review status: criteria provided, single submitter. Criteria: ICSL Variant Classification Criteria 13 December 2019. Collection method: clinical testing. Allele origin: germline.
Comment: This variant was observed in the ICSL laboratory as part of a predisposition screen in an ostensibly healthy population. It had not been previously curated by ICSL or reported in the Human Gene Mutation Database (HGMD: prior to June 1st, 2018), and was therefore a candidate for classification through an automated scoring system. Utilizing variant allele frequency, disease prevalence and penetrance estimates, and inheritance mode, an automated score was calculated to assess if this variant is too frequent to cause the disease. Based on the score and internal cut-off values, a variant classified as likely benign is not then subjected to further curation. The score for this variant resulted in a classification of likely benign for this disease.

Ambry Genetics
Classification: Benign for Hereditary cancer-predisposing syndrome. Last evaluated: 2015-06-30. Review status: criteria provided, single submitter. Criteria: Ambry Variant Classification Scheme 2023. Collection method: clinical testing. Allele origin: germline.

Center for Genomics, Ann and Robert H. Lurie Children's Hospital of Chicago
Classification: Likely benign for Lymphangiomyomatosis; Isolated focal cortical dysplasia type II; Tuberous sclerosis 2. Review status: criteria provided, single submitter. Criteria: ACMG Guidelines, 2015. Collection method: clinical testing. Allele origin: germline.
Comment: TSC2 NM_000548.4 exon 31 p.Ala1257Val (c.3770C>T): This variant has not been reported in the literature but is present in 0.01% (7/64568) of European alleles in the Genome Aggregation Database. This variant is present in ClinVar, with several labs classifying this variant as benign or likely benign (Variation ID:41734). Evolutionary conservation and computational predictive tools suggest that this variant may not impact the protein. In summary, data on this variant suggests that this variant does not cause disease, but requires further evidence. Therefore this variant is classified as likely benign

Biesecker Lab/Clinical Genomics Section, National Institutes of Health
Classification: Likely benign. Last evaluated: 2012-07-13. Review status: no assertion criteria provided. Collection method: research. Allele origin: germline. Affected: no. Observed: 3 variant alleles. Study: ClinSeq. Not counted in ClinVar's aggregate classification.
ClinVar note: Converted during submission from probably not pathogenic to Likely benign.

Tuberous sclerosis database (TSC2)
No classification provided. Condition: TSC. Review status: no classification provided. Criteria: Tuberous Sclerosis Database Assertion Criteria 2015. Collection method: curation. Allele origin: germline. Affected: yes. Not counted in ClinVar's aggregate classification.

Literature cited by the submitters: PubMed 17304050 (cited by Department of Pathology and Laboratory Medicine, Sinai Health System and Ambry Genetics); PubMed 25203624 (cited by Ambry Genetics).

NM_000548.5(TSC2):c.3770C>T (p.Ala1257Val)

Gene: TSC2 (TSC complex subunit 2; plus strand). Cytogenetic location: 16p13.3.
Variant type: single nucleotide variant.
Coding change: c.3770C>T on transcript NM_000548.5 (MANE Select); coding-DNA position 3770, C replaced by T.
Protein change: p.Ala1257Val; replaces alanine 1257 with valine.
Molecular consequence: missense variant.
Genome position (GRCh38, 1-based): chr16:2,081,754, C>T. VCF-style: chr16-2081754-C-T. GRCh37 (hg19) VCF-style: chr16-2131755-C-T.
Other names: p.A1257V:GCA>GTA; c.3638C>T, p.Ala1213Val (NM_001077183.3, NM_001370404.1); c.3770C>T, p.Ala1257Val (NM_001114382.3); c.3530C>T, p.Ala1177Val (NM_001318827.2); c.3494C>T, p.Ala1165Val (NM_001318829.2); c.3038C>T, p.Ala1013Val (NM_001318831.2); c.3671C>T, p.Ala1224Val (NM_001318832.2); c.3641C>T, p.Ala1214Val (NM_001363528.2, NM_001370405.1, NM_021055.3); and 1 more; short protein forms A1257V, A1214V, A1165V, A1224V, A1013V, A1213V, A1177V.
Identifiers: ClinVar variation 41734 (VCV000041734.71), dbSNP rs45466493, ClinGen allele CA019537.